The following is an entry in ClinVar:

ClinVar aggregate classification (germline): Uncertain significance (1 of 4 stars; one submission).

Conditions:
Frontotemporal dementia and/or amyotrophic lateral sclerosis 1 (FTDALS1). Also called: Frontotemporal dementia with motor neuron disease 1; C9orf72 Frontotemporal Dementia and/or Amyotrophic Lateral Sclerosis. Identifiers: Orphanet 275872, MedGen C5779877, MONDO:0007105, OMIM 105550.
Paget disease of bone 2, early-onset (PDB2). Also called: Paget disease of bone 2. Identifiers: MedGen C4085251, MONDO:0011183, OMIM 602080.

Allele frequency attached by ClinVar (database versions not stated): gnomAD 0.00001; TOPMed 0.00001; gnomAD exomes 0.00002.

Submission:

Labcorp Genetics (formerly Invitae), Labcorp
Classification: Uncertain significance for Paget disease of bone 2, early-onset; Frontotemporal dementia and/or amyotrophic lateral sclerosis 1. Last evaluated: 2024-09-17. Review status: criteria provided, single submitter. Criteria: Invitae Variant Classification Sherloc (09022015). Collection method: clinical testing. Allele origin: germline.
Comment: This sequence change replaces arginine, which is basic and polar, with glutamine, which is neutral and polar, at codon 106 of the SQSTM1 protein (p.Arg106Gln). This variant is present in population databases (rs778554903, gnomAD 0.01%). This variant has not been reported in the literature in individuals affected with SQSTM1-related conditions. ClinVar contains an entry for this variant (Variation ID: 475400). Invitae Evidence Modeling of protein sequence and biophysical properties (such as structural, functional, and spatial information, amino acid conservation, physicochemical variation, residue mobility, and thermodynamic stability) indicates that this missense variant is not expected to disrupt SQSTM1 protein function with a negative predictive value of 80%. In summary, the available evidence is currently insufficient to determine the role of this variant in disease. Therefore, it has been classified as a Variant of Uncertain Significance.

NM_003900.5(SQSTM1):c.317G>A (p.Arg106Gln)

Gene: SQSTM1 (sequestosome 1; plus strand). Cytogenetic location: 5q35.3.
Variant type: single nucleotide variant.
Coding change: c.317G>A on transcript NM_003900.5 (MANE Select); coding-DNA position 317, G replaced by A.
Protein change: p.Arg106Gln; replaces arginine 106 with glutamine.
Molecular consequence: missense variant.
Genome position (GRCh38, 1-based): chr5:179,823,873, G>A. VCF-style: chr5-179823873-G-A. GRCh37 (hg19) VCF-style: chr5-179250873-G-A.
Other names: c.65G>A, p.Arg22Gln (NM_001142298.2, NM_001142299.2); short protein forms R22Q, R106Q.
Identifiers: ClinVar variation 475400 (VCV000475400.6), dbSNP rs778554903, ClinGen allele CA3600467.